The following is an entry in ClinVar:

NM_007325.5(GRIA3):c.64C>A (p.Leu22Ile)

Gene: GRIA3 (glutamate ionotropic receptor AMPA type subunit 3; plus strand). Cytogenetic location: Xq25.
Variant type: single nucleotide variant.
Coding change: c.64C>A on transcript NM_007325.5 (MANE Select); coding-DNA position 64, C replaced by A.
Protein change: p.Leu22Ile; replaces leucine 22 with isoleucine.
Molecular consequence: missense variant.
Genome position (GRCh38, 1-based): chrX:123,184,599, C>A. VCF-style: chrX-123184599-C-A. GRCh37 (hg19) VCF-style: chrX-122318451-C-A.
Other names: c.64C>A, p.Leu22Ile (NM_000828.5, NM_001256743.2); short protein forms L22I.
Identifiers: ClinVar variation 1422170 (VCV001422170.8), dbSNP rs746285416, ClinGen allele CA414254816.

ClinVar aggregate classification (germline): Uncertain significance (1 of 4 stars; one submission).

gnomAD v4.1: 1 of 1,208,564 alleles (0.000083%); no homozygotes.

Submission:

Labcorp Genetics (formerly Invitae), Labcorp
Classification: Uncertain significance. Last evaluated: 2025-06-09. Review status: criteria provided, single submitter. Criteria: Invitae Variant Classification Sherloc (09022015). Collection method: clinical testing. Allele origin: germline.
Comment: This sequence change replaces leucine, which is neutral and non-polar, with isoleucine, which is neutral and non-polar, at codon 22 of the GRIA3 protein (p.Leu22Ile). This variant is present in population databases (no rsID available, gnomAD 0.01%). This variant has not been reported in the literature in individuals affected with GRIA3-related conditions. ClinVar contains an entry for this variant (Variation ID: 1422170). An algorithm developed to predict the effect of missense changes on protein structure and function (PolyPhen-2) suggests that this variant is likely to be tolerated. In summary, the available evidence is currently insufficient to determine the role of this variant in disease. Therefore, it has been classified as a Variant of Uncertain Significance.